The following is an entry in ClinVar:

ClinVar aggregate classification (germline): Benign (0 of 4 stars; one submission).

Conditions:
ACSS2-related disorder. Also called: ACSS2-related condition.

Allele frequency attached by ClinVar (database versions not stated): 1000 Genomes Project 30x 0.00094; 1000 Genomes Project 0.00100; TOPMed 0.00101; ESP Exome Variant Server 0.00123; ExAC 0.00228; gnomAD 0.00234.
gnomAD v4.1: 3,331 of 1,613,900 alleles (0.21%); highest among the groups gnomAD compares: Non-Finnish European, 0.17%; 16 homozygotes.

Submission:

PreventionGenetics, part of Exact Sciences
Classification: Benign for ACSS2-related condition. Last evaluated: 2019-03-16. Review status: no assertion criteria provided. Collection method: clinical testing. Allele origin: germline.
Comment: This variant is classified as benign based on ACMG/AMP sequence variant interpretation guidelines (Richards et al. 2015 PMID: 25741868, with internal and published modifications).

NM_018677.4(ACSS2):c.756C>T (p.His252=)

Gene: ACSS2 (acyl-CoA synthetase short chain family member 2; plus strand). Cytogenetic location: 20q11.22.
Variant type: single nucleotide variant.
Coding change: c.756C>T on transcript NM_018677.4 (MANE Select); coding-DNA position 756, C replaced by T.
Protein change: p.His252=; no amino-acid change (histidine 252 retained).
Molecular consequence: synonymous variant.
Genome position (GRCh38, 1-based): chr20:34,914,359, C>T. VCF-style: chr20-34914359-C-T. GRCh37 (hg19) VCF-style: chr20-33502162-C-T.
Other names: c.756C>T, p.His252= (NM_001076552.3); c.471C>T, p.His157= (NM_001242393.2).
Identifiers: ClinVar variation 3043533 (VCV003043533.2), dbSNP rs61014667, ClinGen allele CA9825337.